The following is an entry in ClinVar:

ClinVar aggregate classification (germline): Uncertain significance (1 of 4 stars; one submission).

Conditions:
Spastic paraplegia. Identifiers: MedGen C0037772, HP:0001258.

Allele frequency attached by ClinVar (database versions not stated): gnomAD exomes below 0.00001; TOPMed below 0.00001.
gnomAD v4.1: 3 of 1,614,090 alleles (0.00019%); highest among the groups gnomAD compares: Non-Finnish European, 0.00025%; no homozygotes.

Submission:

Labcorp Genetics (formerly Invitae), Labcorp
Classification: Uncertain significance for Spastic paraplegia. Last evaluated: 2022-08-03. Review status: criteria provided, single submitter. Criteria: Invitae Variant Classification Sherloc (09022015). Collection method: clinical testing. Allele origin: germline.
Comment: This sequence change replaces histidine, which is basic and polar, with asparagine, which is neutral and polar, at codon 1833 of the ZFYVE26 protein (p.His1833Asn). This variant is not present in population databases (gnomAD no frequency). This variant has not been reported in the literature in individuals affected with ZFYVE26-related conditions. Algorithms developed to predict the effect of missense changes on protein structure and function are either unavailable or do not agree on the potential impact of this missense change (SIFT: "Deleterious"; PolyPhen-2: "Probably Damaging"; Align-GVGD: "Class C0"). In summary, the available evidence is currently insufficient to determine the role of this variant in disease. Therefore, it has been classified as a Variant of Uncertain Significance.

NM_015346.4(ZFYVE26):c.5497C>A (p.His1833Asn)

Gene: ZFYVE26 (zinc finger FYVE-type containing 26; minus strand). Cytogenetic location: 14q24.1.
Variant type: single nucleotide variant.
Coding change: c.5497C>A on transcript NM_015346.4 (MANE Select); coding-DNA position 5497, C replaced by A.
Protein change: p.His1833Asn; replaces histidine 1833 with asparagine.
Molecular consequence: missense variant.
Genome position (GRCh38, 1-based): chr14:67,769,718, G>T on the plus strand (C>A on the coding strand, the complement: ZFYVE26 is on the minus strand). VCF-style: chr14-67769718-G-T. GRCh37 (hg19) VCF-style: chr14-68236435-G-T.
Other names: short protein forms H1833N.
Identifiers: ClinVar variation 2020603 (VCV002020603.1), dbSNP rs2039155452, ClinGen allele CA390167172.